The following is an entry in ClinVar:

NM_000540.3(RYR1):c.3695C>T (p.Pro1232Leu)

Gene: RYR1 (ryanodine receptor 1; plus strand). Cytogenetic location: 19q13.2.
Variant type: single nucleotide variant.
Coding change: c.3695C>T on transcript NM_000540.3 (MANE Select); coding-DNA position 3695, C replaced by T.
Protein change: p.Pro1232Leu; replaces proline 1232 with leucine.
Molecular consequence: missense variant.
Genome position (GRCh38, 1-based): chr19:38,469,443, C>T. VCF-style: chr19-38469443-C-T. GRCh37 (hg19) VCF-style: chr19-38960083-C-T.
Other names: c.3695C>T, p.Pro1232Leu (NM_001042723.2); short protein forms P1232L.
Identifiers: ClinVar variation 1030859 (VCV001030859.3), dbSNP rs1363931971, ClinGen allele CA405639655.
Genomic context (GRCh38, chr19:38,469,443, plus strand): 5'-TCTTTGCCATCTGTGGCCTCCAGGAAGGCTTCGAGCCATTTGCCATCAACATGCAGCGCC[C>T]AGTCACCACCTGGTTCAGCAAAGGCCTGCCCCAGTTTGAGCCAGTGCCCCTTGAACACCC-3'
Protein context (NP_000531.2, residues 1222-1242): FEPFAINMQR[Pro1232Leu]VTTWFSKGLP

ClinVar aggregate classification (germline): Uncertain significance. Review status: criteria provided, multiple submitters, no conflicts (2 of 4 stars). 3 submissions from 3 submitters: Uncertain significance (3). Last evaluated 2025-02-21.

Conditions:
Malignant hyperthermia, susceptibility to, 1 (MHS1). Also called: RYR1-Related Malignant Hyperthermia Susceptibility; Malignant hyperthermia suceptibility 1; Anesthesia related hyperthermia; Malignant hyperpyrexia; Fulminating hyperpyrexia; Pharmacogenic myopathy. Identifiers: Orphanet 423, MedGen C2930980, MONDO:0007783, OMIM 145600.
Central core myopathy (CMYO1A). Also called: CONGENITAL MYOPATHY 1A, AUTOSOMAL DOMINANT, WITH SUSCEPTIBILITY TO MALIGNANT HYPERTHERMIA; Central core disease; Myopathy, central fibrillar. Identifiers: Orphanet 597, MedGen C5830701, MONDO:0007294, OMIM 117000.
RYR1-related disorder. Also called: RYR1-related condition; RYR1-related disorders. Identifiers: MedGen CN239331.

Allele frequency attached by ClinVar (database versions not stated): gnomAD exomes below 0.00001; TOPMed below 0.00001.
gnomAD v4.1: 4 of 1,614,142 alleles (0.00025%); highest among the groups gnomAD compares: Non-Finnish European, 0.00034%; no homozygotes.

Submissions (3):

Labcorp Genetics (formerly Invitae), Labcorp
Classification: Uncertain significance for RYR1-related disorder. Last evaluated: 2025-02-21. Review status: criteria provided, single submitter. Criteria: Invitae Variant Classification Sherloc (09022015). Collection method: clinical testing. Allele origin: germline.
Comment: This sequence change replaces proline, which is neutral and non-polar, with leucine, which is neutral and non-polar, at codon 1232 of the RYR1 protein (p.Pro1232Leu). This variant is present in population databases (no rsID available, gnomAD 0.0009%). This variant has not been reported in the literature in individuals affected with RYR1-related conditions. ClinVar contains an entry for this variant (Variation ID: 1030859). Invitae Evidence Modeling of protein sequence and biophysical properties (such as structural, functional, and spatial information, amino acid conservation, physicochemical variation, residue mobility, and thermodynamic stability) indicates that this missense variant is not expected to disrupt RYR1 protein function with a negative predictive value of 80%. In summary, the available evidence is currently insufficient to determine the role of this variant in disease. Therefore, it has been classified as a Variant of Uncertain Significance.

All of Us Research Program, National Institutes of Health
Classification: Uncertain significance for Malignant hyperthermia, susceptibility to, 1. Last evaluated: 2023-12-18. Review status: criteria provided, single submitter. Criteria: ACMG Guidelines, 2015. Collection method: clinical testing. Allele origin: germline. Inheritance: Autosomal dominant inheritance. Observed: 1 variant allele, 1 heterozygote.
Comment: This missense variant replaces proline with leucine at codon 1232 of the RYR1 protein. Computational prediction suggests that this variant may not impact protein structure and function. To our knowledge, functional studies have not been reported for this variant. This variant has not been reported in individuals affected with RYR1-related disorders in the literature. This variant has been identified in 1/251260 chromosomes in the general population by the Genome Aggregation Database (gnomAD). The available evidence is insufficient to determine the role of this variant in disease conclusively. Therefore, this variant is classified as a Variant of Uncertain Significance.

This study involves interpretation of variants in research participants for the purpose of population health screening. Participant phenotype was not available at the time of variant classification. Additional details can be found in publication PMID: 35346344, PMCID: PMC8962531

Baylor Genetics
Classification: Uncertain significance for Central core myopathy. Last evaluated: 2020-01-14. Review status: criteria provided, single submitter. Criteria: ACMG Guidelines, 2015. Collection method: clinical testing. Allele origin: unknown. Affected: yes.
Comment: This variant was determined to be of uncertain significance according to ACMG Guidelines, 2015 [PMID:25741868].